The following continues an entry in ClinVar:

NM_178857.6(RP1L1):c.133C>T (p.Arg45Trp)

Gene: RP1L1. ClinVar aggregate classification (germline): Pathogenic/Likely pathogenic. Pathogenic (11); Likely pathogenic (7).

Submissions 14 to 23 of 23:

MGZ Medical Genetics Center
Classification: Likely pathogenic for Occult macular dystrophy. Last evaluated: 2021-11-18. Review status: criteria provided, single submitter. Criteria: ACMG Guidelines, 2015. Collection method: clinical testing. Allele origin: germline. Affected: yes. Observed: 1 variant allele.
Comment: ACMG criteria applied: PS4, PM2_SUP, PP1, PP3, BS4

Institute of Medical Genetics and Applied Genomics, University Hospital Tübingen
Classification: Likely pathogenic. Last evaluated: 2020-10-23. Review status: criteria provided, single submitter. Criteria: ACMG Guidelines, 2015. Collection method: clinical testing. Allele origin: germline. Inheritance: Unknown mechanism. Affected: yes.

Centre for Mendelian Genomics, University Medical Centre Ljubljana
Classification: Pathogenic for Retinitis pigmentosa 88. Last evaluated: 2019-12-03. Review status: criteria provided, single submitter. Criteria: ACMG Guidelines, 2015. Collection method: clinical testing. Allele origin: unknown. Affected: yes.
Comment: This variant was classified as: Pathogenic. The following ACMG criteria were applied in classifying this variant: PS1,PP1-S,PP3.

Eurofins Ntd Llc (ga)
Classification: Likely pathogenic. Last evaluated: 2016-12-21. Review status: criteria provided, single submitter. Criteria: EGL Classification Definitions 2015. Collection method: clinical testing. Allele origin: germline. Observed: 2 variant alleles, 2 heterozygotes.

Clinical Genetics Service, Universitary Hospital 12 de Octubre
Classification: Likely pathogenic for Occult macular dystrophy. Review status: criteria provided, single submitter. Criteria: ACMG Guidelines, 2015. Collection method: clinical testing. Allele origin: germline. Affected: yes.

Clinical Genetics Laboratory, University Hospital Schleswig-Holstein
Classification: Likely pathogenic for Occult macular dystrophy. Last evaluated: 2021-08-26. Review status: no assertion criteria provided. Collection method: clinical testing. Allele origin: germline. Affected: yes. Not counted in ClinVar's aggregate classification.

OMIM
Classification: risk factor for OCCULT MACULAR DYSTROPHY, SUSCEPTIBILITY TO. Last evaluated: 2013-03-01. Review status: no assertion criteria provided. Collection method: literature only. Allele origin: germline. Not counted in ClinVar's aggregate classification.

Clinical Genetics DNA and cytogenetics Diagnostics Lab, Erasmus MC, Erasmus Medical Center
Classification: Likely pathogenic. Review status: no assertion criteria provided. Collection method: clinical testing. Allele origin: germline. Affected: yes. Study: VKGL Data-share Consensus. Not counted in ClinVar's aggregate classification.

Clinical Genetics, Academic Medical Center
Classification: Pathogenic. Review status: no assertion criteria provided. Collection method: clinical testing. Allele origin: germline. Affected: yes. Study: VKGL Data-share Consensus. Not counted in ClinVar's aggregate classification.

Joint Genome Diagnostic Labs from Nijmegen and Maastricht, Radboudumc and MUMC+
Classification: Likely pathogenic. Review status: no assertion criteria provided. Collection method: clinical testing. Allele origin: germline. Affected: yes. Study: VKGL Data-share Consensus. Not counted in ClinVar's aggregate classification.

Literature cited by the submitters: PubMed 20826268 (cited by 7 submitters); PubMed 23281133 (cited by 3 submitters); PubMed 23745001 (cited by Ambry Genetics and Eurofins Ntd Llc (ga)); PubMed 26782618 (cited by 4 submitters); PubMed 27623337 (cited by Ambry Genetics); PubMed 30025130 (cited by 6 submitters); PubMed 32176261 (cited by Ambry Genetics and Institute of Human Genetics, Univ. Regensburg, Univ. Regensburg); PubMed 23619761 (cited by 3 submitters); PubMed 25908487 (cited by 3 submitters); PubMed 28195981 (cited by Variantyx, Inc. and Institute of Human Genetics, Univ. Regensburg, Univ. Regensburg); PubMed 29555955 (cited by Variantyx, Inc. and Institute of Human Genetics, Univ. Regensburg, Univ. Regensburg); PubMed 22466457 (cited by Institute of Human Genetics, Univ. Regensburg, Univ. Regensburg); PubMed 27579568 (cited by Institute of Human Genetics, Univ. Regensburg, Univ. Regensburg); PubMed 28890726 (cited by Institute of Human Genetics, Univ. Regensburg, Univ. Regensburg); PubMed 31028767 (cited by Institute of Human Genetics, Univ. Regensburg, Univ. Regensburg); PubMed 32531858 (cited by Institute of Human Genetics, Univ. Regensburg, Univ. Regensburg); PubMed 33749171 (cited by Institute of Human Genetics, Univ. Regensburg, Univ. Regensburg); PubMed 34440443 (cited by Institute of Human Genetics, Univ. Regensburg, Univ. Regensburg); PubMed 36460718 (cited by Institute of Human Genetics, Univ. Regensburg, Univ. Regensburg); PubMed 35765812 (cited by Institute of Human Genetics, Univ. Regensburg, Univ. Regensburg); PubMed 36284460 (cited by Institute of Human Genetics, Univ. Regensburg, Univ. Regensburg); PubMed 35464678 (cited by Institute of Human Genetics, Univ. Regensburg, Univ. Regensburg).